The following is an entry in ClinVar:

NM_000038.6(APC):c.1851T>G (p.Val617=)

Gene: APC (APC regulator of Wnt signaling pathway; plus strand). Cytogenetic location: 5q22.2.
Variant type: single nucleotide variant.
Coding change: c.1851T>G on transcript NM_000038.6 (MANE Select); coding-DNA position 1851, T replaced by G.
Protein change: p.Val617=; no amino-acid change (valine 617 retained).
Molecular consequence: synonymous variant.
Genome position (GRCh38, 1-based): chr5:112,835,058, T>G. VCF-style: chr5-112835058-T-G. GRCh37 (hg19) VCF-style: chr5-112170755-T-G.
Other names: c.1851T>G, p.Val617= (NM_001127510.3, NM_001354895.2); c.1797T>G, p.Val599= (NM_001127511.3); c.1905T>G, p.Val635= (NM_001354896.2); c.1881T>G, p.Val627= (NM_001354897.2); c.1776T>G, p.Val592= (NM_001354898.2); c.1767T>G, p.Val589= (NM_001354899.2); c.1728T>G, p.Val576= (NM_001354900.2); c.1674T>G, p.Val558= (NM_001354901.2); and 5 more.
Identifiers: ClinVar variation 487044 (VCV000487044.9), dbSNP rs1554083163, ClinGen allele CA445758880.

ClinVar aggregate classification (germline): Benign/Likely benign. Review status: criteria provided, multiple submitters, no conflicts (2 of 4 stars). 4 submissions from 4 submitters: Benign (1); Likely benign (3). Last evaluated 2024-10-26.

Conditions:
Hereditary cancer-predisposing syndrome. Also called: Tumor predisposition; Hereditary Cancer Syndrome; Hereditary neoplastic syndrome; Neoplastic Syndromes, Hereditary. Identifiers: Orphanet 140162, MedGen C0027672, MeSH D009386, MONDO:0015356.
Familial adenomatous polyposis 1 (FAP1). Also called: FAMILIAL ADENOMATOUS POLYPOSIS 1, ATTENUATED; POLYPOSIS, ADENOMATOUS INTESTINAL. Identifiers: MedGen C2713442, MONDO:0021056, OMIM 175100. Disease mechanism: loss of function.

Allele frequency attached by ClinVar (database versions not stated): gnomAD exomes below 0.00001.
gnomAD v4.1: 1 of 1,614,170 alleles (0.000062%); highest among the groups gnomAD compares: Non-Finnish European, 0.000085%; no homozygotes.

Submissions (4):

Labcorp Genetics (formerly Invitae), Labcorp
Classification: Likely benign for Familial adenomatous polyposis 1. Last evaluated: 2024-10-26. Review status: criteria provided, single submitter. Criteria: Invitae Variant Classification Sherloc (09022015). Collection method: clinical testing. Allele origin: germline.

Myriad Genetics, Inc.
Classification: Benign for Familial adenomatous polyposis 1. Last evaluated: 2024-03-07. Review status: criteria provided, single submitter. Criteria: Myriad Autosomal Dominant, Autosomal Recessive and X-Linked Classification Criteria (2023). Collection method: clinical testing. Allele origin: unknown.
Comment: This variant is considered benign. This variant is a silent/synonymous amino acid change and it is not expected to impact splicing.

Color Diagnostics, LLC DBA Color Health
Classification: Likely benign for Hereditary cancer-predisposing syndrome. Last evaluated: 2018-04-03. Review status: criteria provided, single submitter. Criteria: ACMG Guidelines, 2015. Collection method: clinical testing. Allele origin: germline.

Ambry Genetics
Classification: Likely benign for Hereditary cancer-predisposing syndrome. Last evaluated: 2016-12-13. Review status: criteria provided, single submitter. Criteria: Ambry Variant Classification Scheme 2023. Collection method: clinical testing. Allele origin: germline.